The following is an entry in ClinVar:

NM_000404.4(GLB1):c.482G>A (p.Trp161Ter)

Gene: GLB1 (galactosidase beta 1; minus strand). Cytogenetic location: 3p22.3.
Variant type: single nucleotide variant.
Coding change: c.482G>A on transcript NM_000404.4 (MANE Select); coding-DNA position 482, G replaced by A.
Protein change: p.Trp161Ter; replaces tryptophan 161 with a stop codon.
Molecular consequence: nonsense. On other transcripts: synonymous variant (1).
Genome position (GRCh38, 1-based): chr3:33,065,533, C>T on the plus strand (G>A on the coding strand, the complement: GLB1 is on the minus strand). VCF-style: chr3-33065533-C-T. GRCh37 (hg19) VCF-style: chr3-33107025-C-T.
Other names: c.392G>A, p.Trp131Ter (NM_001079811.3); c.270G>A, p.Val90= (NM_001135602.3); c.626G>A, p.Trp209Ter (NM_001317040.2); c.482G>A, p.Trp161Ter (NM_001393580.1); short protein forms W161*, W209*, W131*.
Identifiers: ClinVar variation 2157091 (VCV002157091.4), dbSNP rs768691348, ClinGen allele CA351992475.

ClinVar aggregate classification (germline): Pathogenic (1 of 4 stars; one submission).

Conditions:
Mucopolysaccharidosis, MPS-IV-B (MPS4B). Also called: Mucopolysaccharidosis type IV B; Mucopolysaccharidosis Type IVB; Mucopolysaccharidosis type IVB (Morquio); MPS IVB; MORQUIO SYNDROME B; Mucopolysaccharidosis Type IVB (Morquio B Disease). Identifiers: Orphanet 309310, Orphanet 582, MedGen C0086652, MONDO:0009660, OMIM 253010.
GM1 gangliosidosis. Identifiers: Orphanet 354, MedGen C0085131, MONDO:0018149.

gnomAD v4.1: 1 of 1,581,512 alleles (0.000063%); highest among the groups gnomAD compares: Non-Finnish European, 0.000086%; no homozygotes.

Submission:

Labcorp Genetics (formerly Invitae), Labcorp
Classification: Pathogenic for Mucopolysaccharidosis, MPS-IV-B; GM1 gangliosidosis. Last evaluated: 2022-01-26. Review status: criteria provided, single submitter. Criteria: Invitae Variant Classification Sherloc (09022015). Collection method: clinical testing. Allele origin: germline.
Comment: For these reasons, this variant has been classified as Pathogenic. This premature translational stop signal has been observed in individual(s) with GM1 gangliosidosis (PMID: 20175788). The frequency data for this variant in the population databases is considered unreliable, as metrics indicate poor data quality at this position in the gnomAD database. This sequence change creates a premature translational stop signal (p.Trp161*) in the GLB1 gene. It is expected to result in an absent or disrupted protein product. Loss-of-function variants in GLB1 are known to be pathogenic (PMID: 18524657).

Literature cited by the submitters: PubMed 20175788; PubMed 18524657.